The following is an entry in ClinVar:

NM_005120.3(MED12):c.6312_6338del (p.Gln2107_Gln2115del)

Gene: MED12 (mediator complex subunit 12; plus strand). Cytogenetic location: Xq13.1.
Variant type: Deletion.
Coding change: c.6312_6338del on transcript NM_005120.3 (MANE Select); coding-DNA positions 6312 to 6338, 27 bases deleted (GCAACAGCAGCAGCAGCAACAGCAACA).
Protein change: p.Gln2107_Gln2115del.
Molecular consequence: inframe deletion.
Genome position (GRCh38, 1-based): chrX:71,141,274-71,141,300, GCAACAGCAGCAGCAGCAACAGCAACA deleted; deleting any 27 consecutive bases within chrX:71,141,266-71,141,300 gives the same sequence; the c. name uses the placement nearest the transcript's 3' end. VCF-style (leftmost placement, unchanged base first): chrX-71141265-GCAGCAACAGCAACAGCAGCAGCAGCAA-G. GRCh37 (hg19) VCF-style: chrX-70361115-GCAGCAACAGCAACAGCAGCAGCAGCAA-G.
Identifiers: ClinVar variation 2024037 (VCV002024037.4), dbSNP rs1569482787, ClinGen allele CA641958673.

ClinVar aggregate classification (germline): Uncertain significance (1 of 4 stars; one submission).

Conditions:
FG syndrome (FGS). Identifiers: MedGen C0220769, MONDO:0002010.

Submission:

Labcorp Genetics (formerly Invitae), Labcorp
Classification: Uncertain significance for FG syndrome. Last evaluated: 2022-08-27. Review status: criteria provided, single submitter. Criteria: Invitae Variant Classification Sherloc (09022015). Collection method: clinical testing. Allele origin: germline.
Comment: Experimental studies and prediction algorithms are not available or were not evaluated, and the functional significance of this variant is currently unknown. Algorithms developed to predict the effect of sequence changes on RNA splicing suggest that this variant may create or strengthen a splice site. In summary, the available evidence is currently insufficient to determine the role of this variant in disease. Therefore, it has been classified as a Variant of Uncertain Significance. This variant has not been reported in the literature in individuals affected with MED12-related conditions. This variant, c.6312_6338del, results in the deletion of 9 amino acid(s) of the MED12 protein (p.Gln2107_Gln2115del), but otherwise preserves the integrity of the reading frame. The frequency data for this variant in the population databases is considered unreliable, as metrics indicate poor data quality at this position in the gnomAD database.